The following is an entry in ClinVar:

NM_003024.3(ITSN1):c.973del (p.Ser324_Val325insTer)

Gene: ITSN1 (intersectin 1; plus strand). Cytogenetic location: 21q22.11.
Variant type: Deletion.
Coding change: c.973del on transcript NM_003024.3 (MANE Select); coding-DNA position 973, one base deleted (G; older notation c.973delG).
Protein change: p.Ser324_Val325insTer.
Molecular consequence: nonsense.
Genome position (GRCh38, 1-based): chr21:33,767,759, G deleted. VCF-style (leftmost placement, unchanged base first): chr21-33767758-TG-T. GRCh37 (hg19) VCF-style: chr21-35140062-TG-T.
Other names: c.973del, p.Ser324_Val325insTer (NM_001001132.2, NM_001331008.2, NM_001331009.2 and 2 more transcripts); c.862del, p.Ser287_Val288insTer (NM_001331012.2).
Identifiers: ClinVar variation 4088969 (VCV004088969.2).

ClinVar aggregate classification (germline): Uncertain significance (1 of 4 stars; one submission).

Conditions:
Inborn genetic diseases. Identifiers: MedGen C0950123, MeSH D030342.

Submission:

Ambry Genetics
Classification: Uncertain significance for Inborn genetic diseases. Last evaluated: 2026-08-18. Review status: criteria provided, single submitter. Criteria: Ambry Variant Classification Scheme 2023. Collection method: clinical testing. Allele origin: germline.
Comment: The c.973delG (p.V325*) alteration, located in exon 11 (coding exon 10) of the ITSN1 gene, consists of a deletion of one nucleotide at position 973. This changes the amino acid from a valine (V) to a stop codon at amino acid position 325. This alteration is expected to result in loss of function by premature protein truncation or nonsense-mediated mRNA decay. This variant was not reported in population-based cohorts in the Genome Aggregation Database (gnomAD). Based on insufficient or conflicting evidence, the clinical significance of this alteration remains unclear.